The following is an entry in ClinVar:

NM_000059.4(BRCA2):c.3813_3814insC (p.Met1272fs)

Gene: BRCA2 (BRCA2 DNA repair associated; plus strand). Cytogenetic location: 13q13.1.
Variant type: Insertion.
Coding change: c.3813_3814insC on transcript NM_000059.4 (MANE Select); coding-DNA positions 3813 to 3814, C inserted.
Protein change: p.Met1272fs; shifts the reading frame from methionine 1272.
Molecular consequence: frameshift variant.
Genome position: GRCh38 VCF-style: chr13-32338168-A-AC. GRCh37 (hg19) VCF-style: chr13-32912305-A-AC.
Other names: short protein forms M1272fs.
Identifiers: ClinVar variation 548435 (VCV000548435.1), dbSNP rs1555283406, ClinGen allele CA658823697.

ClinVar aggregate classification (germline): Pathogenic (3 of 4 stars; one submission).

Conditions:
Breast-ovarian cancer, familial, susceptibility to, 2 (BROVCA2). Also called: BRCA2 Hereditary Breast and Ovarian Cancer. Identifiers: Orphanet 145, MedGen C2675520, MONDO:0012933, OMIM 612555. Disease mechanism: loss of function.

Submission:

Evidence-based Network for the Interpretation of Germline Mutant Alleles (ENIGMA)
Classification: Pathogenic for Breast-ovarian cancer, familial, susceptibility to, 2. Last evaluated: 2017-12-15. Review status: reviewed by expert panel. Criteria: ENIGMA BRCA1/2 Classification Criteria (2017-06-29). Collection method: curation. Allele origin: germline. Study: ENIGMA.
Comment: Variant allele predicted to encode a truncated non-functional protein.